The following is an entry in ClinVar:

NM_001351132.2(PEX5):c.1638C>T (p.Arg546=)

Gene: PEX5 (peroxisomal biogenesis factor 5; plus strand). Cytogenetic location: 12p13.31.
Variant type: single nucleotide variant.
Coding change: c.1638C>T on transcript NM_001351132.2 (MANE Select); coding-DNA position 1638, C replaced by T.
Protein change: p.Arg546=; no amino-acid change (arginine 546 retained).
Molecular consequence: synonymous variant.
Genome position (GRCh38, 1-based): chr12:7,209,760, C>T. VCF-style: chr12-7209760-C-T. GRCh37 (hg19) VCF-style: chr12-7362356-C-T.
Other names: p.Arg561=; c.1614C>T, p.Arg538= (NM_000319.5); c.1683C>T, p.Arg561= (NM_001131023.2); c.1527C>T, p.Arg509= (NM_001131024.2, NM_001351124.3, NM_001351126.2 and 7 more transcripts); c.1638C>T, p.Arg546= (NM_001131025.2, NM_001131026.2, NM_001300789.3 and 4 more transcripts); c.1572C>T, p.Arg524= (NM_001351135.3, NM_001351138.2); c.1629C>T, p.Arg543= (NM_001351136.2); c.1503C>T, p.Arg501= (NM_001351139.2, NM_001351140.2, NM_001374649.2); and 1 more.
Identifiers: ClinVar variation 500774 (VCV000500774.30), dbSNP rs142408719, ClinGen allele CA6426532.

ClinVar aggregate classification (germline): Conflicting classifications of pathogenicity. Review status: criteria provided, conflicting classifications (1 of 4 stars). 5 submissions from 5 submitters: Uncertain significance (1); Likely benign (4). Last evaluated 2026-01-26.

Conditions:
Peroxisome biogenesis disorder 2B (PBD2B). Identifiers: Orphanet 44, MedGen C3550234, MONDO:0008736, OMIM 202370.

Allele frequency attached by ClinVar (database versions not stated): gnomAD exomes 0.00010; ExAC 0.00012; 1000 Genomes Project 0.00020; 1000 Genomes Project 30x 0.00031; ESP Exome Variant Server 0.00031; TOPMed 0.00058; gnomAD 0.00065 and 0.00070.
gnomAD v4.1: 145 of 1,590,776 alleles (0.0091%); highest among the groups gnomAD compares: African/African-American, 0.18%; no homozygotes.

Submissions (5):

Labcorp Genetics (formerly Invitae), Labcorp
Classification: Likely benign for Peroxisome biogenesis disorder 2B. Last evaluated: 2026-01-26. Review status: criteria provided, single submitter. Criteria: Invitae Variant Classification Sherloc (09022015). Collection method: clinical testing. Allele origin: germline.

Mayo Clinic Laboratories, Mayo Clinic
Classification: Likely benign. Last evaluated: 2025-06-04. Review status: criteria provided, single submitter. Criteria: ACMG Guidelines, 2015. Collection method: clinical testing. Allele origin: germline. Observed: 1 variant allele.
Comment: BS1, BP7

CeGaT Center for Human Genetics Tuebingen
Classification: Likely benign. Last evaluated: 2025-02-01. Review status: criteria provided, single submitter. Criteria: CeGaT Center For Human Genetics Tuebingen Variant Classification Criteria Version 2. Collection method: clinical testing. Allele origin: germline. Affected: yes. Observed: 1 variant allele.
Comment: PEX5: BP4, BP7

Blueprint Genetics
Classification: Likely benign. Last evaluated: 2024-10-22. Review status: criteria provided, single submitter. Criteria: ACMG Guidelines, 2015. Collection method: clinical testing. Allele origin: germline.

Eurofins Ntd Llc (ga)
Classification: Uncertain significance. Last evaluated: 2018-01-22. Review status: criteria provided, single submitter. Criteria: EGL Classification Definitions 2015. Collection method: clinical testing. Allele origin: germline. Observed: 2 variant alleles, 2 heterozygotes.